The following is an entry in ClinVar:

NM_001134407.3(GRIN2A):c.3796G>T (p.Val1266Phe)

Gene: GRIN2A (glutamate ionotropic receptor NMDA type subunit 2A; minus strand). Cytogenetic location: 16p13.2.
Variant type: single nucleotide variant.
Coding change: c.3796G>T on transcript NM_001134407.3 (MANE Select); coding-DNA position 3796, G replaced by T.
Protein change: p.Val1266Phe; replaces valine 1266 with phenylalanine.
Molecular consequence: missense variant. On other transcripts: intron variant (1).
Genome position (GRCh38, 1-based): chr16:9,763,748, C>A on the plus strand (G>T on the coding strand, the complement: GRIN2A is on the minus strand). VCF-style: chr16-9763748-C-A. GRCh37 (hg19) VCF-style: chr16-9857605-C-A.
Other names: c.3772+24G>T (NM_001134408.2); c.3796G>T, p.Val1266Phe (NM_000833.5); short protein forms V1266F.
Identifiers: ClinVar variation 1051040 (VCV001051040.7), dbSNP rs758615952, ClinGen allele CA277536658.

ClinVar aggregate classification (germline): Uncertain significance (1 of 4 stars; one submission).

Conditions:
Landau-Kleffner syndrome (FESD). Also called: APHASIA, ACQUIRED, WITH EPILEPSY; EPILEPSY, FOCAL, WITH SPEECH DISORDER AND WITH OR WITHOUT MENTAL RETARDATION. Identifiers: Orphanet 1945, Orphanet 725, Orphanet 98818, MedGen C0282512, MONDO:0009509, OMIM 245570.

gnomAD v4.1: 18 of 1,614,130 alleles (0.0011%); highest among the groups gnomAD compares: Non-Finnish European, 0.0015%; no homozygotes.

Submission:

Labcorp Genetics (formerly Invitae), Labcorp
Classification: Uncertain significance for Landau-Kleffner syndrome. Last evaluated: 2025-12-22. Review status: criteria provided, single submitter. Criteria: Invitae Variant Classification Sherloc (09022015). Collection method: clinical testing. Allele origin: germline.
Comment: This sequence change replaces valine, which is neutral and non-polar, with phenylalanine, which is neutral and non-polar, at codon 1266 of the GRIN2A protein (p.Val1266Phe). This variant is present in population databases (rs758615952, gnomAD 0.003%). This variant has not been reported in the literature in individuals affected with GRIN2A-related conditions. ClinVar contains an entry for this variant (Variation ID: 1051040). Invitae Evidence Modeling of protein sequence and biophysical properties (such as structural, functional, and spatial information, amino acid conservation, physicochemical variation, residue mobility, and thermodynamic stability) indicates that this missense variant is not expected to disrupt GRIN2A protein function with a negative predictive value of 95%. In summary, the available evidence is currently insufficient to determine the role of this variant in disease. Therefore, it has been classified as a Variant of Uncertain Significance.